The following is an entry in ClinVar:

ClinVar aggregate classification (germline): Conflicting classifications of pathogenicity. Review status: criteria provided, conflicting classifications (1 of 4 stars). 2 submissions from 2 submitters: Uncertain significance (1); Likely benign (1). Last evaluated 2026-04-14.

Conditions:
PKD1-related disorder. Also called: PKD1-related condition.

gnomAD v4.1: 58 of 1,572,280 alleles (0.0037%); highest among the groups gnomAD compares: Admixed American, 0.0053%; no homozygotes.

Submissions (2):

PreventionGenetics, part of Exact Sciences
Classification: Uncertain significance for PKD1-related condition. Last evaluated: 2026-04-14. Review status: criteria provided, single submitter. Criteria: ACMG Guidelines, 2015. Collection method: clinical testing. Allele origin: germline.
Comment: The PKD1 c.10760C>T variant is predicted to result in the amino acid substitution p.Ala3587Val. This variant has been reported in the compound heterozygous state in an individual with febrile seizures (Wang et al. 2022. PubMed ID: 35620448). This variant is reported in 0.0098% of alleles in individuals of Latino descent in gnomAD. At this time, the clinical significance of this variant is uncertain due to the absence of conclusive functional and genetic evidence.

Blueprint Genetics
Classification: Likely benign. Last evaluated: 2024-03-26. Review status: criteria provided, single submitter. Criteria: ACMG Guidelines, 2015. Collection method: clinical testing. Allele origin: germline.

NM_001009944.3(PKD1):c.10760C>T (p.Ala3587Val)

Genes: PKD1 (polycystin 1, transient receptor potential channel interacting; minus strand), PKD1-AS1 (PKD1 antisense RNA 1; plus strand). Cytogenetic location: 16p13.3.
Variant type: single nucleotide variant.
Coding change: c.10760C>T on transcript NM_001009944.3 (MANE Select); coding-DNA position 10760, C replaced by T.
Protein change: p.Ala3587Val; replaces alanine 3587 with valine.
Molecular consequence: missense variant.
Genome position (GRCh38, 1-based): chr16:2,093,872, G>A on the plus strand (C>T on the coding strand, the complement: PKD1 is on the minus strand). VCF-style: chr16-2093872-G-A. GRCh37 (hg19) VCF-style: chr16-2143873-G-A.
Other names: c.10757C>T, p.Ala3586Val (NM_000296.4); short protein forms A3586V, A3587V.
Identifiers: ClinVar variation 4927597 (VCV004927597.2).